The following is an entry in ClinVar:

NM_015001.3(SPEN):c.5732_5737del (p.Met1911_Asp1913delinsAsn)

Gene: SPEN (spen family transcriptional repressor; plus strand). Cytogenetic location: 1p36.13.
Variant type: Deletion.
Coding change: c.5732_5737del on transcript NM_015001.3 (MANE Select); coding-DNA positions 5732 to 5737, 6 bases deleted (TGGGTG; older notation c.5732_5737delTGGGTG).
Protein change: p.Met1911_Asp1913delinsAsn.
Molecular consequence: inframe indel.
Genome position (GRCh38, 1-based): chr1:15,931,972-15,931,977, TGGGTG deleted. VCF-style (leftmost placement, unchanged base first): chr1-15931971-ATGGGTG-A. GRCh37 (hg19) VCF-style: chr1-16258466-ATGGGTG-A.
Identifiers: ClinVar variation 2446311 (VCV002446311.1), dbSNP rs1287371703, ClinGen allele CA890021612.
Genomic context (GRCh38, chr1:15,931,971, plus strand): 5'-GAACCAAGTTTGCCTCTCAGCCGAACAAGGCGCCGGAATGTAAGGAGCGTCTATGCAACC[ATGGGTG>A]ACCATGAAAACCGCTCTCCTGTCAAAGAGCCCGTTGAGCAACCAAGAGTGACCAGAAAGA-3'

ClinVar aggregate classification (germline): Uncertain significance (1 of 4 stars; one submission).

Allele frequency attached by ClinVar (database versions not stated): gnomAD exomes below 0.00001; TOPMed below 0.00001; gnomAD 0.00001.

Submission:

GeneDx
Classification: Uncertain significance. Last evaluated: 2022-09-26. Review status: criteria provided, single submitter. Criteria: GeneDx Variant Classification Process June 2021. Collection method: clinical testing. Allele origin: germline. Affected: yes.
Comment: Not observed at significant frequency in large population cohorts (gnomAD); In-frame deletion of 3 amino acids and insertion of 1 alternate amino acid in a non-repeat region; Has not been previously published as pathogenic or benign to our knowledge